The following is an entry in ClinVar:

NM_001256789.3(CACNA1F):c.104T>C (p.Val35Ala)

Gene: CACNA1F (calcium voltage-gated channel subunit alpha1 F; minus strand). Cytogenetic location: Xp11.23.
Variant type: single nucleotide variant.
Coding change: c.104T>C on transcript NM_001256789.3 (MANE Select); coding-DNA position 104, T replaced by C.
Protein change: p.Val35Ala; replaces valine 35 with alanine.
Molecular consequence: missense variant. On other transcripts: intron variant (1).
Genome position (GRCh38, 1-based): chrX:49,231,849, A>G on the plus strand (T>C on the coding strand, the complement: CACNA1F is on the minus strand). VCF-style: chrX-49231849-A-G. GRCh37 (hg19) VCF-style: chrX-49088311-A-G.
Other names: c.104T>C, p.Val35Ala (NM_005183.4); c.66-157T>C (NM_001256790.3); short protein forms V35A.
Identifiers: ClinVar variation 4781496 (VCV004781496.1).

ClinVar aggregate classification (germline): Uncertain significance (1 of 4 stars; one submission).

gnomAD v4.1: 4 of 1,190,411 alleles (0.00034%); highest among the groups gnomAD compares: African/African-American, 0.007%; no homozygotes.

Submission:

Labcorp Genetics (formerly Invitae), Labcorp
Classification: Uncertain significance. Last evaluated: 2025-08-14. Review status: criteria provided, single submitter. Criteria: Invitae Variant Classification Sherloc (09022015). Collection method: clinical testing. Allele origin: germline.
Comment: This sequence change replaces valine, which is neutral and non-polar, with alanine, which is neutral and non-polar, at codon 35 of the CACNA1F protein (p.Val35Ala). This variant is present in population databases (no rsID available, gnomAD 0.01%). This variant has not been reported in the literature in individuals affected with CACNA1F-related conditions. An algorithm developed to predict the effect of missense changes on protein structure and function (PolyPhen-2) suggests that this variant is likely to be tolerated. In summary, the available evidence is currently insufficient to determine the role of this variant in disease. Therefore, it has been classified as a Variant of Uncertain Significance.